The following is an entry in ClinVar:

ClinVar aggregate classification (germline): Uncertain significance. Review status: criteria provided, multiple submitters, no conflicts (2 of 4 stars). 2 submissions from 2 submitters: Uncertain significance (2). Last evaluated 2025-04-03.

Allele frequency attached by ClinVar (database versions not stated): gnomAD exomes below 0.00001.
gnomAD v4.1: 5 of 1,614,170 alleles (0.00031%); highest among the groups gnomAD compares: Non-Finnish European, 0.00042%; no homozygotes.

Submissions (2):

Ambry Genetics
Classification: Uncertain significance. Last evaluated: 2025-04-03. Review status: criteria provided, single submitter. Criteria: Ambry Variant Classification Scheme 2023. Collection method: clinical testing. Allele origin: germline.

Labcorp Genetics (formerly Invitae), Labcorp
Classification: Uncertain significance. Last evaluated: 2022-08-09. Review status: criteria provided, single submitter. Criteria: Invitae Variant Classification Sherloc (09022015). Collection method: clinical testing. Allele origin: germline.
Comment: This sequence change replaces threonine, which is neutral and polar, with proline, which is neutral and non-polar, at codon 401 of the SLC39A7 protein (p.Thr401Pro). This variant is present in population databases (no rsID available, gnomAD 0.0009%). This variant has not been reported in the literature in individuals affected with SLC39A7-related conditions. Algorithms developed to predict the effect of missense changes on protein structure and function are either unavailable or do not agree on the potential impact of this missense change (SIFT: "Tolerated"; PolyPhen-2: "Possibly Damaging"; Align-GVGD: "Class C0"). In summary, the available evidence is currently insufficient to determine the role of this variant in disease. Therefore, it has been classified as a Variant of Uncertain Significance.

NM_006979.3(SLC39A7):c.1201A>C (p.Thr401Pro)

Gene: SLC39A7 (solute carrier family 39 member 7; plus strand). Cytogenetic location: 6p21.32.
Variant type: single nucleotide variant.
Coding change: c.1201A>C on transcript NM_006979.3 (MANE Select); coding-DNA position 1201, A replaced by C.
Protein change: p.Thr401Pro; replaces threonine 401 with proline.
Molecular consequence: missense variant.
Genome position (GRCh38, 1-based): chr6:33,203,604, A>C. VCF-style: chr6-33203604-A-C. GRCh37 (hg19) VCF-style: chr6-33171381-A-C.
Other names: c.1201A>C, p.Thr401Pro (NM_001077516.2); c.826A>C, p.Thr276Pro (NM_001288777.2); c.1201A>C (NM_006979.2); short protein forms T276P, T401P.
Identifiers: ClinVar variation 1956746 (VCV001956746.3), dbSNP rs1355440764, ClinGen allele CA363647596.